The following is an entry in ClinVar:

NM_014239.4(EIF2B2):c.950C>T (p.Pro317Leu)

Gene: EIF2B2 (eukaryotic translation initiation factor 2B subunit beta; plus strand). Cytogenetic location: 14q24.3.
Variant type: single nucleotide variant.
Coding change: c.950C>T on transcript NM_014239.4 (MANE Select); coding-DNA position 950, C replaced by T.
Protein change: p.Pro317Leu; replaces proline 317 with leucine.
Molecular consequence: missense variant.
Genome position (GRCh38, 1-based): chr14:75,009,082, C>T. VCF-style: chr14-75009082-C-T. GRCh37 (hg19) VCF-style: chr14-75475785-C-T.
Other names: short protein forms P317L.
Identifiers: ClinVar variation 1373358 (VCV001373358.6), dbSNP rs1889667655, ClinGen allele CA390430381.

ClinVar aggregate classification (germline): Uncertain significance (1 of 4 stars; one submission).

Allele frequency attached by ClinVar (database versions not stated): gnomAD exomes below 0.00001; TOPMed below 0.00001.
gnomAD v4.1: 2 of 1,614,048 alleles (0.00012%); highest among the groups gnomAD compares: Non-Finnish European, 0.00017%; no homozygotes.

Submission:

Labcorp Genetics (formerly Invitae), Labcorp
Classification: Uncertain significance. Last evaluated: 2022-11-01. Review status: criteria provided, single submitter. Criteria: Invitae Variant Classification Sherloc (09022015). Collection method: clinical testing. Allele origin: germline.
Comment: ClinVar contains an entry for this variant (Variation ID: 1373358). This variant is not present in population databases (gnomAD no frequency). This variant has not been reported in the literature in individuals affected with EIF2B2-related conditions. This sequence change replaces proline, which is neutral and non-polar, with leucine, which is neutral and non-polar, at codon 317 of the EIF2B2 protein (p.Pro317Leu). In summary, the available evidence is currently insufficient to determine the role of this variant in disease. Therefore, it has been classified as a Variant of Uncertain Significance. Advanced modeling of protein sequence and biophysical properties (such as structural, functional, and spatial information, amino acid conservation, physicochemical variation, residue mobility, and thermodynamic stability) has been performed at Invitae for this missense variant, however the output from this modeling did not meet the statistical confidence thresholds required to predict the impact of this variant on EIF2B2 protein function.